The following is an entry in ClinVar:

NM_004693.3(KRT75):c.956T>A (p.Ile319Asn)

Gene: KRT75 (keratin 75; minus strand). Cytogenetic location: 12q13.13.
Variant type: single nucleotide variant.
Coding change: c.956T>A on transcript NM_004693.3 (MANE Select); coding-DNA position 956, T replaced by A.
Protein change: p.Ile319Asn; replaces isoleucine 319 with asparagine.
Molecular consequence: missense variant.
Genome position (GRCh38, 1-based): chr12:52,430,620, A>T on the plus strand (T>A on the coding strand, the complement: KRT75 is on the minus strand). VCF-style: chr12-52430620-A-T. GRCh37 (hg19) VCF-style: chr12-52824404-A-T.
Other names: short protein forms I319N.
Identifiers: ClinVar variation 3044179 (VCV003044179.3), dbSNP rs143063572, ClinGen allele CA6579947.

ClinVar aggregate classification (germline): Likely benign. Review status: criteria provided, single submitter (1 of 4 stars). 2 submissions from 2 submitters: Likely benign (1). 1 of the submissions does not count toward it. Last evaluated 2024-11-01.

Conditions:
KRT75-related disorder. Also called: KRT75-related condition.

Allele frequency attached by ClinVar (database versions not stated): gnomAD exomes 0.00033; ExAC 0.00096; 1000 Genomes Project 30x 0.00187; 1000 Genomes Project 0.00240; gnomAD 0.00263; ESP Exome Variant Server 0.00300; TOPMed 0.00301.
gnomAD v4.1: 929 of 1,614,140 alleles (0.058%); highest among the groups gnomAD compares: African/African-American, 0.99%; 8 homozygotes.

Submissions (2):

Blueprint Genetics
Classification: Likely benign. Last evaluated: 2024-11-01. Review status: criteria provided, single submitter. Criteria: ACMG Guidelines, 2015. Collection method: clinical testing. Allele origin: germline.

PreventionGenetics, part of Exact Sciences
Classification: Benign for KRT75-related condition. Last evaluated: 2021-02-01. Review status: no assertion criteria provided. Collection method: clinical testing. Allele origin: germline. Not counted in ClinVar's aggregate classification.
Comment: This variant is classified as benign based on ACMG/AMP sequence variant interpretation guidelines (Richards et al. 2015 PMID: 25741868, with internal and published modifications).